The following is an entry in ClinVar:

ClinVar aggregate classification (germline): Pathogenic. Review status: criteria provided, multiple submitters, no conflicts (2 of 4 stars). 3 submissions from 3 submitters: Pathogenic (2). 1 of the submissions does not count toward it. Last evaluated 2025-02-06.

Conditions:
Episodic kinesigenic dyskinesia (EKD). Also called: Paroxysmal kinesigenic dyskinesia. Identifiers: Orphanet 98809, MedGen C1868682, MONDO:0044202.
Infantile convulsions and choreoathetosis (ICCA). Also called: PRRT2-Related Paroxysmal Kinesigenic Dyskinesia with Infantile Convulsions (PKD/IC); PAROXYSMAL KINESIGENIC DYSKINESIA WITH INFANTILE CONVULSIONS. Identifiers: Orphanet 31709, MedGen C1865926, MONDO:0011178, OMIM 602066.

Submissions (3):

GeneDx
Classification: Pathogenic. Last evaluated: 2025-02-06. Review status: criteria provided, single submitter. Criteria: GeneDx Variant Classification Process June 2021. Collection method: clinical testing. Allele origin: germline. Affected: yes.
Comment: Nonsense variant predicted to result in protein truncation or nonsense mediated decay in a gene for which loss of function is a known mechanism of disease; Not observed at significant frequency in large population cohorts (gnomAD); Also known as c.516_517insT p.E173X; This variant is associated with the following publications: (PMID: 22543779, 22832103)

Labcorp Genetics (formerly Invitae), Labcorp
Classification: Pathogenic for Episodic kinesigenic dyskinesia. Last evaluated: 2020-09-24. Review status: criteria provided, single submitter. Criteria: Invitae Variant Classification Sherloc (09022015). Collection method: clinical testing. Allele origin: germline.
Comment: For these reasons, this variant has been classified as Pathogenic. This sequence change creates a premature translational stop signal (p.Glu173*) in the PRRT2 gene. It is expected to result in an absent or disrupted protein product. This variant is not present in population databases (ExAC no frequency). This variant has been observed in individual(s) with PRRT2-related conditions (PMID: 22832103). It has also been observed to segregate with disease in related individuals. This variant is also known as c.516_517insT. ClinVar contains an entry for this variant (Variation ID: 31175). Loss-of-function variants in PRRT2 are known to be pathogenic (PMID: 22623405, 22744660).

OMIM
Classification: Pathogenic for CONVULSIONS, FAMILIAL INFANTILE, WITH PAROXYSMAL CHOREOATHETOSIS. Last evaluated: 2012-01-26. Review status: no assertion criteria provided. Collection method: literature only. Allele origin: germline. Not counted in ClinVar's aggregate classification.

Literature cited by the submitters: PubMed 22832103 (cited by Labcorp Genetics (formerly Invitae), Labcorp and OMIM); PubMed 22623405 (cited by Labcorp Genetics (formerly Invitae), Labcorp); PubMed 22744660 (cited by Labcorp Genetics (formerly Invitae), Labcorp).

NM_145239.3(PRRT2):c.516dup (p.Glu173Ter)

Genes: MVP-DT (MVP divergent transcript; minus strand), PRRT2 (proline rich transmembrane protein 2; plus strand). Cytogenetic location: 16p11.2.
Variant type: Duplication.
Coding change: c.516dup on transcript NM_145239.3 (MANE Select); coding-DNA position 516, one base duplicated (T; older notation c.516dupT).
Protein change: p.Glu173Ter; replaces glutamic acid 173 with a stop codon.
Molecular consequence: nonsense.
Genome position (GRCh38, 1-based): chr16:29,813,570, T duplicated. VCF-style (leftmost placement, unchanged base first): chr16-29813569-C-CT. GRCh37 (hg19) VCF-style: chr16-29824890-C-CT.
Other names: c.516dup, p.Glu173Ter (NM_001256442.2, NM_001256443.2); short protein forms E173*.
Identifiers: ClinVar variation 31175 (VCV000031175.13), dbSNP rs730882068, ClinGen allele CA129729.
Genomic context (GRCh38, chr16:29,813,569, plus strand): 5'-CCAAGCCAGCCCTTCAACCAGAGCTCCCTACCCAGGAGGACCCCACCCCTGAGATTCTGT[C>CT]TGAGAGTGTAGGGGAAAAGCAAGAGAATGGGGCAGTGGTGCCCCTGCAGGCTGGTGATGG-3'